The following is an entry in ClinVar:

ClinVar aggregate classification (germline): Uncertain significance (1 of 4 stars; one submission).

Conditions:
Hereditary cancer-predisposing syndrome. Also called: Tumor predisposition; Hereditary Cancer Syndrome; Hereditary neoplastic syndrome; Neoplastic Syndromes, Hereditary. Identifiers: Orphanet 140162, MedGen C0027672, MeSH D009386, MONDO:0015356.

Allele frequency attached by ClinVar (database versions not stated): ExAC 0.00003; gnomAD 0.00003.
gnomAD v4.1: 18 of 1,613,856 alleles (0.0011%); no homozygotes.

Submission:

Ambry Genetics
Classification: Uncertain significance for Hereditary cancer-predisposing syndrome. Last evaluated: 2025-08-04. Review status: criteria provided, single submitter. Criteria: Ambry Variant Classification Scheme 2023. Collection method: clinical testing. Allele origin: germline.
Comment: The p.I655M variant (also known as c.1965T>G), located in coding exon 17 of the MRE11A gene, results from a T to G substitution at nucleotide position 1965. The isoleucine at codon 655 is replaced by methionine, an amino acid with highly similar properties. This amino acid position is conserved. In addition, this alteration is predicted to be tolerated by in silico analysis. Since supporting evidence is limited at this time, the clinical significance of this alteration remains unclear.

NM_005591.4(MRE11):c.1965T>G (p.Ile655Met)

Gene: MRE11 (MRE11 double strand break repair nuclease; minus strand). Cytogenetic location: 11q21.
Variant type: single nucleotide variant.
Coding change: c.1965T>G on transcript NM_005591.4 (MANE Select); coding-DNA position 1965, T replaced by G.
Protein change: p.Ile655Met; replaces isoleucine 655 with methionine.
Molecular consequence: missense variant.
Genome position (GRCh38, 1-based): chr11:94,435,861, A>C on the plus strand (T>G on the coding strand, the complement: MRE11 is on the minus strand). VCF-style: chr11-94435861-A-C. GRCh37 (hg19) VCF-style: chr11-94169027-A-C.
Other names: c.1962T>G, p.Ile654Met (NM_001330347.2); c.1881T>G, p.Ile627Met (NM_005590.4); short protein forms I655M, I627M, I654M.
Identifiers: ClinVar variation 2624744 (VCV002624744.3), dbSNP rs746850084, ClinGen allele CA6234940.